The following is an entry in ClinVar:

NM_015692.5(CPAMD8):c.4939G>T (p.Asp1647Tyr)

Gene: CPAMD8 (C3 and PZP like alpha-2-macroglobulin domain containing 8; minus strand). Cytogenetic location: 19p13.11.
Variant type: single nucleotide variant.
Coding change: c.4939G>T on transcript NM_015692.5 (MANE Select); coding-DNA position 4939, G replaced by T.
Protein change: p.Asp1647Tyr; replaces aspartic acid 1647 with tyrosine.
Molecular consequence: missense variant.
Genome position (GRCh38, 1-based): chr19:16,897,904, C>A on the plus strand (G>T on the coding strand, the complement: CPAMD8 is on the minus strand). VCF-style: chr19-16897904-C-A. GRCh37 (hg19) VCF-style: chr19-17008715-C-A.
Other names: short protein forms D1647Y.
Identifiers: ClinVar variation 3346348 (VCV003346348.1).

ClinVar aggregate classification (germline): Uncertain significance (0 of 4 stars; one submission).

Conditions:
CPAMD8-related disorder. Also called: CPAMD8-related condition.

Submission:

PreventionGenetics, part of Exact Sciences
Classification: Uncertain significance for CPAMD8-related condition. Last evaluated: 2024-04-16. Review status: no assertion criteria provided. Collection method: clinical testing. Allele origin: germline.
Comment: The CPAMD8 c.5080G>T variant is predicted to result in the amino acid substitution p.Asp1694Tyr. To our knowledge, this variant has not been reported in the literature or in a large population database, indicating this variant is rare. At this time, the clinical significance of this variant is uncertain due to the absence of conclusive functional and genetic evidence.